The following is an entry in ClinVar:

ClinVar aggregate classification (germline): Uncertain significance (1 of 4 stars; one submission).

Conditions:
Hereditary cancer-predisposing syndrome. Also called: Neoplastic Syndromes, Hereditary; Tumor predisposition; Hereditary neoplastic syndrome; Hereditary Cancer Syndrome. Identifiers: Orphanet 140162, MedGen C0027672, MeSH D009386, MONDO:0015356.

Submission:

Ambry Genetics
Classification: Uncertain significance for Hereditary cancer-predisposing syndrome. Last evaluated: 2024-02-26. Review status: criteria provided, single submitter. Criteria: Ambry Variant Classification Scheme 2023. Collection method: clinical testing. Allele origin: germline.
Comment: The p.Q803P variant (also known as c.2408A>C), located in coding exon 21 of the TSC2 gene, results from an A to C substitution at nucleotide position 2408. The glutamine at codon 803 is replaced by proline, an amino acid with similar properties. This amino acid position is conserved. In addition, this alteration is predicted to be deleterious by in silico analysis. Based on the available evidence, the clinical significance of this alteration remains unclear.

NM_000548.5(TSC2):c.2408A>C (p.Gln803Pro)

Gene: TSC2 (TSC complex subunit 2; plus strand). Cytogenetic location: 16p13.3.
Variant type: single nucleotide variant.
Coding change: c.2408A>C on transcript NM_000548.5 (MANE Select); coding-DNA position 2408, A replaced by C.
Protein change: p.Gln803Pro; replaces glutamine 803 with proline.
Molecular consequence: missense variant. On other transcripts: non-coding transcript variant (5).
Genome position (GRCh38, 1-based): chr16:2,074,252, A>C. VCF-style: chr16-2074252-A-C. GRCh37 (hg19) VCF-style: chr16-2124253-A-C.
Other names: c.2408A>C, p.Gln803Pro (NM_001077183.3, NM_001114382.3, NM_001363528.2 and 6 more transcripts); c.2297A>C, p.Gln766Pro (NM_001318827.2, NM_001406670.1, NM_001406678.1); c.2261A>C, p.Gln754Pro (NM_001318829.2, NM_001406675.1, NM_001406676.1 and 1 more transcripts); c.1808A>C, p.Gln603Pro (NM_001318831.2, NM_001406680.1, NM_001406682.1 and 6 more transcripts); c.2441A>C, p.Gln814Pro (NM_001318832.2); c.2498A>C, p.Gln833Pro (NM_001406667.1, NM_001406668.1); c.2396A>C, p.Gln799Pro (NM_001406671.1, NM_001406673.1); c.2351A>C, p.Gln784Pro (NM_001406677.1); and 3 more; short protein forms Q269P, Q355P, Q603P, Q649P, Q754P, Q766P, Q784P, Q799P.
Identifiers: ClinVar variation 3232115 (VCV003232115.1), dbSNP rs2151349126, ClinGen allele CA394277152.